The following is an entry in ClinVar:

NC_000006.11:g.(?_76540113)_(76542684_?)dup

Gene: MYO6 (myosin VI; plus strand). Cytogenetic location: 6q14.1.
Variant type: Duplication.
Identifiers: ClinVar variation 2425275 (VCV002425275.4).

ClinVar aggregate classification (germline): Likely pathogenic (1 of 4 stars; one submission).

Submission:

Labcorp Genetics (formerly Invitae), Labcorp
Classification: Likely pathogenic. Last evaluated: 2022-10-03. Review status: criteria provided, single submitter. Criteria: Invitae Variant Classification Sherloc (09022015). Collection method: clinical testing. Allele origin: germline.
Comment: In summary, the currently available evidence indicates that the variant is pathogenic, but additional data are needed to prove that conclusively. Therefore, this variant has been classified as Likely Pathogenic. This variant has not been reported in the literature in individuals affected with MYO6-related conditions. This variant results in a copy number gain of the genomic region encompassing exon(s) 5-6 of the MYO6 gene. While the exact position of this variant cannot be determined from the data, sub-genic copy number gains are generally in tandem (PMID: 25640679). This variant is predicted to be out-of-frame, and may result in an absent or disrupted protein product. Loss-of-function variants in MYO6 are known to be pathogenic (PMID: 12687499, 18348273, 23767834, 25999546, 30582396).

Literature cited by the submitters: PubMed 25640679; PubMed 12687499; PubMed 18348273; PubMed 23767834; PubMed 25999546; PubMed 30582396.